The following is an entry in ClinVar:

NM_000540.3(RYR1):c.11336T>C (p.Leu3779Pro)

Gene: RYR1 (ryanodine receptor 1; plus strand). Cytogenetic location: 19q13.2.
Variant type: single nucleotide variant.
Coding change: c.11336T>C on transcript NM_000540.3 (MANE Select); coding-DNA position 11336, T replaced by C.
Protein change: p.Leu3779Pro; replaces leucine 3779 with proline.
Molecular consequence: missense variant.
Genome position (GRCh38, 1-based): chr19:38,534,796, T>C. VCF-style: chr19-38534796-T-C. GRCh37 (hg19) VCF-style: chr19-39025436-T-C.
Other names: c.11321T>C, p.Leu3774Pro (NM_001042723.2); short protein forms L3779P, L3774P.
Identifiers: ClinVar variation 2916510 (VCV002916510.4), dbSNP rs376480614, ClinGen allele CA405654798.

ClinVar aggregate classification (germline): Uncertain significance. Review status: criteria provided, multiple submitters, no conflicts (2 of 4 stars). 2 submissions from 2 submitters: Uncertain significance (2). Last evaluated 2025-08-31.

Conditions:
RYR1-related disorder. Also called: RYR1-related condition; RYR1-related disorders. Identifiers: MedGen CN239331.
Inborn genetic diseases. Identifiers: MedGen C0950123, MeSH D030342.

Allele frequency attached by ClinVar (database versions not stated): TOPMed below 0.00001.

Submissions (2):

Ambry Genetics
Classification: Uncertain significance for Inborn genetic diseases. Last evaluated: 2025-08-31. Review status: criteria provided, single submitter. Criteria: Ambry Variant Classification Scheme 2023. Collection method: clinical testing. Allele origin: germline.

Labcorp Genetics (formerly Invitae), Labcorp
Classification: Uncertain significance for RYR1-related disorder. Last evaluated: 2023-07-16. Review status: criteria provided, single submitter. Criteria: Invitae Variant Classification Sherloc (09022015). Collection method: clinical testing. Allele origin: germline.
Comment: In summary, the available evidence is currently insufficient to determine the role of this variant in disease. Therefore, it has been classified as a Variant of Uncertain Significance. Advanced modeling of protein sequence and biophysical properties (such as structural, functional, and spatial information, amino acid conservation, physicochemical variation, residue mobility, and thermodynamic stability) performed at Invitae indicates that this missense variant is expected to disrupt RYR1 protein function. This variant has not been reported in the literature in individuals affected with RYR1-related conditions. This variant is present in population databases (no rsID available, gnomAD 0.006%). This sequence change replaces leucine, which is neutral and non-polar, with proline, which is neutral and non-polar, at codon 3779 of the RYR1 protein (p.Leu3779Pro).